The following is an entry in ClinVar:

ClinVar aggregate classification (germline): Likely pathogenic (1 of 4 stars; one submission).

Conditions:
Primary ciliary dyskinesia. Also called: Ciliary dyskinesia. Identifiers: Orphanet 244, MedGen C0008780, MONDO:0016575, HP:0012265.

Submission:

Labcorp Genetics (formerly Invitae), Labcorp
Classification: Likely pathogenic for Primary ciliary dyskinesia. Last evaluated: 2019-06-02. Review status: criteria provided, single submitter. Criteria: Invitae Variant Classification Sherloc (09022015). Collection method: clinical testing. Allele origin: germline.
Comment: This variant is a deletion of the genomic region encompassing part of exon 53 (c.8821-923_8868del) of the DNAH5 gene. It is expected to disrupt RNA splicing and likely results in an absent or disrupted protein product. This variant has not been reported in the literature in individuals with DNAH5-related conditions. This variant has not been reported in the literature in individuals with DNAH5-related conditions. Loss-of-function variants in DNAH5 are known to be pathogenic (PMID: 11788826, 16627867). In summary, the currently available evidence indicates that the variant is pathogenic, but additional data are needed to prove that conclusively. Therefore, this variant has been classified as Likely Pathogenic.

NM_001369.3(DNAH5):c.8821-923_8868del

Gene: DNAH5 (dynein axonemal heavy chain 5; minus strand). Cytogenetic location: 5p15.2.
Variant type: Deletion.
Coding change: c.8821-923_8868del on transcript NM_001369.3 (MANE Select); 923 bases into the intron before coding-DNA position 8821 through coding-DNA position 8868, 971 bases deleted.
Molecular consequence: splice acceptor variant.
Genome position (GRCh38, 1-based): chr5:13,780,912-13,781,882, 971 bases deleted. GRCh37 (hg19): chr5:13,781,021-13,781,991.
Identifiers: ClinVar variation 949883 (VCV000949883.1), dbSNP rs1755013971, ClinGen allele CA1139658762.